The following is an entry in ClinVar:

NM_001160372.4(TRAPPC9):c.2491C>T (p.Arg831Ter)

Gene: TRAPPC9 (trafficking protein particle complex subunit 9; minus strand). Cytogenetic location: 8q24.3.
Variant type: single nucleotide variant.
Coding change: c.2491C>T on transcript NM_001160372.4 (MANE Select); coding-DNA position 2491, C replaced by T.
Protein change: p.Arg831Ter; replaces arginine 831 with a stop codon.
Molecular consequence: nonsense. On other transcripts: non-coding transcript variant (1).
Genome position (GRCh38, 1-based): chr8:140,221,524, G>A on the plus strand (C>T on the coding strand, the complement: TRAPPC9 is on the minus strand). VCF-style: chr8-140221524-G-A. GRCh37 (hg19) VCF-style: chr8-141231623-G-A.
Other names: c.2464C>T, p.Arg822Ter (NM_001321646.2); c.2512C>T, p.Arg838Ter (NM_001374682.1); c.2491C>T, p.Arg831Ter (NM_001374683.1, NM_031466.8); c.2347C>T, p.Arg783Ter (NM_001374684.1); c.2785C>T (NM_031466.5); short protein forms R822*, R831*, R929*, R783*, R838*.
Identifiers: ClinVar variation 694658 (VCV000694658.14), dbSNP rs373701249, ClinGen allele CA4893074.

ClinVar aggregate classification (germline): Pathogenic. Review status: criteria provided, multiple submitters, no conflicts (2 of 4 stars). 6 submissions from 6 submitters: Pathogenic (6). Last evaluated 2026-06-01.

Conditions:
Abnormality of the nervous system. Also called: Congenital nervous system disorder. Identifiers: MedGen C0497552, MONDO:0002320, HP:0000707.
Intellectual developmental disorder, autosomal recessive 13. Also called: Intellectual disability, autosomal recessive 13. Identifiers: Orphanet 88616, MedGen C2750791, MONDO:0013173, OMIM 613192.

Allele frequency attached by ClinVar (database versions not stated): TOPMed 0.00002; ExAC 0.00002; gnomAD exomes 0.00002; ESP Exome Variant Server 0.00008.
gnomAD v4.1: 13 of 1,614,106 alleles (0.00081%); highest among the groups gnomAD compares: Admixed American, 0.0083%; no homozygotes.

Submissions (6):

CeGaT Center for Human Genetics Tuebingen
Classification: Pathogenic. Last evaluated: 2026-06-01. Review status: criteria provided, single submitter. Criteria: CeGaT Center For Human Genetics Tuebingen Variant Classification Criteria Version 2. Collection method: clinical testing. Allele origin: germline. Affected: yes. Observed: 1 variant allele.
Comment: TRAPPC9: PVS1, PM2, PM3

3billion
Classification: Pathogenic for Intellectual developmental disorder, autosomal recessive 13. Last evaluated: 2024-08-05. Review status: criteria provided, single submitter. Criteria: ACMG Guidelines, 2015. Collection method: clinical testing. Allele origin: germline. Affected: yes.
Comment: The variant is observed at an extremely low frequency in the gnomAD v4.0.0 dataset (total allele frequency: <0.001%). Predicted Consequence/Location: Stop-gained (nonsense): predicted to result in a loss or disruption of normal protein function through nonsense-mediated decay (NMD) or protein truncation. Multiple pathogenic variants are reported downstream of the variant. The variant has been reported at least twice as pathogenic with clinical assertions and evidence for the classification (ClinVar ID: VCV000694658). Therefore, this variant is classified as Pathogenic according to the recommendation of ACMG/AMP guideline.

GeneDx
Classification: Pathogenic. Last evaluated: 2024-06-14. Review status: criteria provided, single submitter. Criteria: GeneDx Variant Classification Process June 2021. Collection method: clinical testing. Allele origin: germline. Affected: yes.
Comment: Nonsense variant predicted to result in protein truncation or nonsense mediated decay in a gene for which loss of function is a known mechanism of disease; Not observed at significant frequency in large population cohorts (gnomAD); This variant is associated with the following publications: (PMID: 32434006, 28940097, 34540776)

Genomic Medicine Center of Excellence, King Faisal Specialist Hospital and Research Centre
Classification: Pathogenic for Intellectual developmental disorder, autosomal recessive 13. Last evaluated: 2024-03-14. Review status: criteria provided, single submitter. Criteria: ACMG Guidelines, 2015. Collection method: clinical testing. Allele origin: germline.

Labcorp Genetics (formerly Invitae), Labcorp
Classification: Pathogenic. Last evaluated: 2023-12-03. Review status: criteria provided, single submitter. Criteria: Invitae Variant Classification Sherloc (09022015). Collection method: clinical testing. Allele origin: germline.
Comment: This sequence change creates a premature translational stop signal (p.Arg929*) in the TRAPPC9 gene. It is expected to result in an absent or disrupted protein product. Loss-of-function variants in TRAPPC9 are known to be pathogenic (PMID: 2000476, 20004763, 20004764). This variant is present in population databases (rs373701249, gnomAD 0.009%). This premature translational stop signal has been observed in individual(s) with intellectual disability (PMID: 28940097). ClinVar contains an entry for this variant (Variation ID: 694658). For these reasons, this variant has been classified as Pathogenic.

Kariminejad - Najmabadi Pathology & Genetics Center
Classification: Pathogenic for Abnormality of the nervous system. Last evaluated: 2021-07-10. Review status: criteria provided, single submitter. Criteria: ACMG Guidelines, 2015. Collection method: clinical testing. Allele origin: germline. Affected: yes.

Literature cited by the submitters: PubMed 2000476 (cited by Labcorp Genetics (formerly Invitae), Labcorp); PubMed 20004763 (cited by Labcorp Genetics (formerly Invitae), Labcorp); PubMed 20004764 (cited by Labcorp Genetics (formerly Invitae), Labcorp); PubMed 28940097 (cited by Labcorp Genetics (formerly Invitae), Labcorp).